The following is an entry in ClinVar:

NM_004958.4(MTOR):c.1525C>A (p.Leu509Met)

Gene: MTOR (mechanistic target of rapamycin kinase; minus strand). Cytogenetic location: 1p36.22.
Variant type: single nucleotide variant.
Coding change: c.1525C>A on transcript NM_004958.4 (MANE Select); coding-DNA position 1525, C replaced by A.
Protein change: p.Leu509Met; replaces leucine 509 with methionine.
Molecular consequence: missense variant.
Genome position (GRCh38, 1-based): chr1:11,241,569, G>T on the plus strand (C>A on the coding strand, the complement: MTOR is on the minus strand). VCF-style: chr1-11241569-G-T. GRCh37 (hg19) VCF-style: chr1-11301626-G-T.
Other names: c.1525C>A, p.Leu509Met (NM_001386500.1); c.277C>A, p.Leu93Met (NM_001386501.1); short protein forms L509M, L93M.
Identifiers: ClinVar variation 1897721 (VCV001897721.5), dbSNP rs1475028258, ClinGen allele CA338394749.
Genomic context (GRCh38, chr1:11,241,569, plus strand): 5'-AGCCTCACGCTGATACAGGGCAAGCTCAGGTTTCTGACACCCACCTTAGTCCCACTGCCA[G>T]CATGGGCTCCAGCAGCTCCTTGATATCCTGCTGGATGCCTGGCCCCATTGCTCGAGCCAG-3'
Protein context (NP_004949.1, residues 499-519): QDIKELLEPM[Leu509Met]AVGLSPALTA

ClinVar aggregate classification (germline): Uncertain significance (1 of 4 stars; one submission).

Allele frequency attached by ClinVar (database versions not stated): gnomAD exomes below 0.00001; TOPMed below 0.00001.

Submission:

Labcorp Genetics (formerly Invitae), Labcorp
Classification: Uncertain significance. Last evaluated: 2025-12-15. Review status: criteria provided, single submitter. Criteria: Invitae Variant Classification Sherloc (09022015). Collection method: clinical testing. Allele origin: germline.
Comment: This sequence change replaces leucine, which is neutral and non-polar, with methionine, which is neutral and non-polar, at codon 509 of the MTOR protein (p.Leu509Met). This variant is present in population databases (no rsID available, gnomAD 0.003%). This variant has not been reported in the literature in individuals affected with MTOR-related conditions. ClinVar contains an entry for this variant (Variation ID: 1897721). Invitae Evidence Modeling of protein sequence and biophysical properties (such as structural, functional, and spatial information, amino acid conservation, physicochemical variation, residue mobility, and thermodynamic stability) indicates that this missense variant is not expected to disrupt MTOR protein function with a negative predictive value of 95%. In summary, the available evidence is currently insufficient to determine the role of this variant in disease. Therefore, it has been classified as a Variant of Uncertain Significance.